The following is an entry in ClinVar:

ClinVar aggregate classification (germline): Uncertain significance (1 of 4 stars; one submission).

Submission:

GeneDx
Classification: Uncertain significance. Last evaluated: 2025-05-28. Review status: criteria provided, single submitter. Criteria: GeneDx Variant Classification Process June 2021. Collection method: clinical testing. Allele origin: germline. Affected: yes.
Comment: Not observed at significant frequency in large population cohorts (gnomAD); In silico analysis supports that this missense variant has a deleterious effect on protein structure/function; Has not been previously published as pathogenic or benign to our knowledge

NM_032108.4(SEMA6B):c.2366T>C (p.Leu789Pro)

Gene: SEMA6B (semaphorin 6B; minus strand). Cytogenetic location: 19p13.3.
Variant type: single nucleotide variant.
Coding change: c.2366T>C on transcript NM_032108.4 (MANE Select); coding-DNA position 2366, T replaced by C.
Protein change: p.Leu789Pro; replaces leucine 789 with proline.
Molecular consequence: missense variant.
Genome position (GRCh38, 1-based): chr19:4,543,902, A>G on the plus strand (T>C on the coding strand, the complement: SEMA6B is on the minus strand). VCF-style: chr19-4543902-A-G. GRCh37 (hg19) VCF-style: chr19-4543914-A-G.
Other names: short protein forms L789P.
Identifiers: ClinVar variation 4532556 (VCV004532556.1).